The following is an entry in ClinVar:

NM_001349253.2(SCN11A):c.3856A>G (p.Ile1286Val)

Gene: SCN11A (sodium voltage-gated channel alpha subunit 11; minus strand). Cytogenetic location: 3p22.2.
Variant type: single nucleotide variant.
Coding change: c.3856A>G on transcript NM_001349253.2 (MANE Select); coding-DNA position 3856, A replaced by G.
Protein change: p.Ile1286Val; replaces isoleucine 1286 with valine.
Molecular consequence: missense variant.
Genome position (GRCh38, 1-based): chr3:38,867,416, T>C on the plus strand (A>G on the coding strand, the complement: SCN11A is on the minus strand). VCF-style: chr3-38867416-T-C. GRCh37 (hg19) VCF-style: chr3-38908907-T-C.
Other names: c.3856A>G, p.Ile1286Val (NM_014139.3); short protein forms I1286V.
Identifiers: ClinVar variation 3372059 (VCV003372059.1).

ClinVar aggregate classification (germline): Uncertain significance (1 of 4 stars; one submission).

gnomAD v4.1: 1 of 1,613,288 alleles (0.000062%); highest among the groups gnomAD compares: Non-Finnish European, 0.000085%; no homozygotes.

Submission:

GeneDx
Classification: Uncertain significance. Last evaluated: 2024-04-09. Review status: criteria provided, single submitter. Criteria: GeneDx Variant Classification Process June 2021. Collection method: clinical testing. Allele origin: germline. Affected: yes.
Comment: Not observed at significant frequency in large population cohorts (gnomAD); In silico analysis indicates that this missense variant does not alter protein structure/function; Has not been previously published as pathogenic or benign to our knowledge